The following is an entry in ClinVar:

ClinVar aggregate classification (germline): Uncertain significance (1 of 4 stars; one submission).

Allele frequency attached by ClinVar (database versions not stated): gnomAD 0.00001; ExAC 0.00002; TOPMed 0.00001; gnomAD exomes 0.00002.
gnomAD v4.1: 32 of 1,613,030 alleles (0.002%); highest among the groups gnomAD compares: Admixed American, 0.0033%; no homozygotes.

Submission:

Labcorp Genetics (formerly Invitae), Labcorp
Classification: Uncertain significance. Last evaluated: 2023-02-08. Review status: criteria provided, single submitter. Criteria: Invitae Variant Classification Sherloc (09022015). Collection method: clinical testing. Allele origin: germline.
Comment: In summary, the available evidence is currently insufficient to determine the role of this variant in disease. Therefore, it has been classified as a Variant of Uncertain Significance. Algorithms developed to predict the effect of sequence changes on RNA splicing suggest that this variant may create or strengthen a splice site. Advanced modeling of protein sequence and biophysical properties (such as structural, functional, and spatial information, amino acid conservation, physicochemical variation, residue mobility, and thermodynamic stability) has been performed at Invitae for this missense variant, however the output from this modeling did not meet the statistical confidence thresholds required to predict the impact of this variant on PKD1L1 protein function. This variant has not been reported in the literature in individuals affected with PKD1L1-related conditions. This variant is present in population databases (rs747808041, gnomAD 0.006%). This sequence change replaces glycine, which is neutral and non-polar, with aspartic acid, which is acidic and polar, at codon 2446 of the PKD1L1 protein (p.Gly2446Asp).

NM_138295.5(PKD1L1):c.7337G>A (p.Gly2446Asp)

Genes: PKD1L1 (polycystin 1 like 1, transient receptor potential channel interacting; minus strand), PKD1L1-AS1 (PKD1L1 antisense RNA 1; plus strand). Cytogenetic location: 7p12.3.
Variant type: single nucleotide variant.
Coding change: c.7337G>A on transcript NM_138295.5 (MANE Select); coding-DNA position 7337, G replaced by A.
Protein change: p.Gly2446Asp; replaces glycine 2446 with aspartic acid.
Molecular consequence: missense variant.
Genome position (GRCh38, 1-based): chr7:47,813,130, C>T on the plus strand (G>A on the coding strand, the complement: PKD1L1 is on the minus strand). VCF-style: chr7-47813130-C-T. GRCh37 (hg19) VCF-style: chr7-47852728-C-T.
Other names: short protein forms G2446D.
Identifiers: ClinVar variation 2051012 (VCV002051012.4), dbSNP rs747808041, ClinGen allele CA4252055.